The following is an entry in ClinVar:

ClinVar aggregate classification (germline): Likely pathogenic (1 of 4 stars; one submission).

Conditions:
Dilated cardiomyopathy 1G (CMD1G). Identifiers: Orphanet 154, MedGen C1858763, MONDO:0011400, OMIM 604145.
Autosomal recessive limb-girdle muscular dystrophy type 2J (LGMDR10). Also called: Limb-girdle muscular dystrophy, type 2J; MUSCULAR DYSTROPHY, LIMB-GIRDLE, AUTOSOMAL RECESSIVE 10. Identifiers: Orphanet 140922, MedGen C1837342, MONDO:0012127, OMIM 608807.

Submission:

Labcorp Genetics (formerly Invitae), Labcorp
Classification: Likely pathogenic for Dilated cardiomyopathy 1G; Autosomal recessive limb-girdle muscular dystrophy type 2J. Last evaluated: 2023-08-28. Review status: criteria provided, single submitter. Criteria: Invitae Variant Classification Sherloc (09022015). Collection method: clinical testing. Allele origin: germline.
Comment: In summary, the currently available evidence indicates that the variant is pathogenic, but additional data are needed to prove that conclusively. Therefore, this variant has been classified as Likely Pathogenic. This variant is located in the A band of TTN (PMID: 25589632). Truncating variants in this region are significantly overrepresented in patients affected with dilated cardiomyopathy (PMID: 25589632). Truncating variants in this region have also been reported in individuals affected with autosomal recessive centronuclear myopathy (PMID: 23975875). This variant has not been reported in the literature in individuals affected with TTN-related conditions. This variant is not present in population databases (gnomAD no frequency). This sequence change creates a premature translational stop signal (p.Val26563Glyfs*11) in the TTN gene. While this is not anticipated to result in nonsense mediated decay, it is expected to disrupt the last 9429 amino acid(s) of the TTN protein.

Literature cited by the submitters: PubMed 25589632; PubMed 23975875.

NM_001267550.2(TTN):c.79687dup (p.Val26563fs)

Genes: TTN (titin; minus strand), TTN-AS1 (TTN antisense RNA 1; plus strand). Cytogenetic location: 2q31.2.
Variant type: Duplication.
Coding change: c.79687dup on transcript NM_001267550.2 (MANE Select); coding-DNA position 79687, one base duplicated (G; older notation c.79687dupG).
Protein change: p.Val26563fs; shifts the reading frame from valine 26563.
Molecular consequence: frameshift variant.
Genome position (GRCh38, 1-based): chr2:178,566,445, C duplicated on the plus strand (G on the coding strand, the reverse complement: TTN is on the minus strand). VCF-style (leftmost placement, unchanged base first): chr2-178566444-A-AC. GRCh37 (hg19) VCF-style: chr2-179431171-A-AC.
Other names: c.74764dup, p.Val24922fs (NM_001256850.1); c.52492dup, p.Val17498fs (NM_003319.4); c.71983dup, p.Val23995fs (NM_133378.4); c.52867dup, p.Val17623fs (NM_133432.3); c.53068dup, p.Val17690fs (NM_133437.4); short protein forms V17498fs, V17623fs, V23995fs, V17690fs, V26563fs, V24922fs.
Identifiers: ClinVar variation 2951366 (VCV002951366.3), dbSNP rs2468285387, ClinGen allele CA2740095920.